The following is an entry in ClinVar:

NM_001378609.3(OTOGL):c.6788G>T (p.Arg2263Leu)

Gene: OTOGL (otogelin like; plus strand). Cytogenetic location: 12q21.31.
Variant type: single nucleotide variant.
Coding change: c.6788G>T on transcript NM_001378609.3 (MANE Select); coding-DNA position 6788, G replaced by T.
Protein change: p.Arg2263Leu; replaces arginine 2263 with leucine.
Molecular consequence: missense variant.
Genome position (GRCh38, 1-based): chr12:80,377,129, G>T. VCF-style: chr12-80377129-G-T. GRCh37 (hg19) VCF-style: chr12-80770909-G-T.
Other names: c.6653G>T, p.Arg2218Leu (NM_001368062.3); c.6788G>T, p.Arg2263Leu (NM_001378610.3, NM_173591.7); short protein forms R2218L, R2263L.
Identifiers: ClinVar variation 1700300 (VCV001700300.2), dbSNP rs759534300, ClinGen allele CA6702163.

ClinVar aggregate classification (germline): Uncertain significance (1 of 4 stars; one submission).

gnomAD v4.1: 2 of 1,603,410 alleles (0.00012%); no homozygotes.

Submission:

GeneDx
Classification: Uncertain significance. Last evaluated: 2022-02-04. Review status: criteria provided, single submitter. Criteria: GeneDx Variant Classification Process June 2021. Collection method: clinical testing. Allele origin: germline. Affected: yes.
Comment: In silico analysis supports that this missense variant has a deleterious effect on protein structure/function; Has not been previously published as pathogenic or benign to our knowledge